The following is an entry in ClinVar:

NM_182916.3(TRNT1):c.1289A>T (p.Tyr430Phe)

Gene: TRNT1 (tRNA nucleotidyl transferase 1; plus strand). Cytogenetic location: 3p26.2.
Variant type: single nucleotide variant.
Coding change: c.1289A>T on transcript NM_182916.3 (MANE Select); coding-DNA position 1289, A replaced by T.
Protein change: p.Tyr430Phe; replaces tyrosine 430 with phenylalanine.
Molecular consequence: missense variant. On other transcripts: non-coding transcript variant (8).
Genome position (GRCh38, 1-based): chr3:3,148,138, A>T. VCF-style: chr3-3148138-A-T. GRCh37 (hg19) VCF-style: chr3-3189822-A-T.
Other names: c.1229A>T, p.Tyr410Phe (NM_001302946.2); c.1289A>T, p.Tyr430Phe (NM_001367321.1, NM_001367322.1, NM_001367323.1); short protein forms Y410F, Y430F.
Identifiers: ClinVar variation 1426719 (VCV001426719.6), dbSNP rs774429750, ClinGen allele CA2228934.

ClinVar aggregate classification (germline): Uncertain significance (1 of 4 stars; one submission).

Conditions:
Congenital sideroblastic anemia-B-cell immunodeficiency-periodic fever-developmental delay syndrome. Also called: Sideroblastic anemia with B-cell immunodeficiency, periodic fevers, and developmental delay. Identifiers: Orphanet 369861, MedGen C4015172, MONDO:0014487, OMIM 616084.

Allele frequency attached by ClinVar (database versions not stated): gnomAD 0.00001; TOPMed 0.00002.
gnomAD v4.1: 9 of 1,613,244 alleles (0.00056%); highest among the groups gnomAD compares: African/African-American, 0.012%; no homozygotes.

Submission:

Labcorp Genetics (formerly Invitae), Labcorp
Classification: Uncertain significance for Congenital sideroblastic anemia-B-cell immunodeficiency-periodic fever-developmental delay syndrome. Last evaluated: 2025-04-28. Review status: criteria provided, single submitter. Criteria: Invitae Variant Classification Sherloc (09022015). Collection method: clinical testing. Allele origin: germline.
Comment: This sequence change replaces tyrosine, which is neutral and polar, with phenylalanine, which is neutral and non-polar, at codon 430 of the TRNT1 protein (p.Tyr430Phe). This variant is present in population databases (rs774429750, gnomAD 0.01%). This variant has not been reported in the literature in individuals affected with TRNT1-related conditions. ClinVar contains an entry for this variant (Variation ID: 1426719). An algorithm developed to predict the effect of missense changes on protein structure and function outputs the following: PolyPhen-2: "Benign". The phenylalanine amino acid residue is found in multiple mammalian species, which suggests that this missense change does not adversely affect protein function. In summary, the available evidence is currently insufficient to determine the role of this variant in disease. Therefore, it has been classified as a Variant of Uncertain Significance.